The following is an entry in ClinVar:

ClinVar aggregate classification (germline): Likely pathogenic. Review status: criteria provided, multiple submitters, no conflicts (2 of 4 stars). 2 submissions from 2 submitters: Likely pathogenic (2). Last evaluated 2025-01-23.

Conditions:
Retinitis pigmentosa 12 (RP12). Also called: RP WITH OR WITHOUT PPRPE; RP WITH OR WITHOUT PRESERVED PARAARTERIOLE RETINAL PIGMENT EPITHELIUM; RETINITIS PIGMENTOSA WITH OR WITHOUT PARAARTERIOLAR PRESERVATION OF RETINAL PIGMENT EPITHELIUM. Identifiers: Orphanet 791, MedGen C1838647, MONDO:0010818, OMIM 600105.
Leber congenital amaurosis 8 (LCA8). Identifiers: Orphanet 65, MedGen C3151202, MONDO:0013453, OMIM 613835.
Leber congenital amaurosis (LCA). Also called: Leber's amaurosis. Identifiers: Orphanet 65, MedGen C0339527, MeSH D057130, MONDO:0018998.

Allele frequency attached by ClinVar (database versions not stated): gnomAD exomes below 0.00001; TOPMed below 0.00001; ExAC 0.00001.
gnomAD v4.1: 7 of 1,614,220 alleles (0.00043%); highest among the groups gnomAD compares: East Asian, 0.0022%; no homozygotes.

Submissions (2):

Natera, Inc.
Classification: Likely pathogenic for Leber congenital amaurosis. Last evaluated: 2025-01-23. Review status: criteria provided, single submitter. Criteria: Natera Variant Classification Schema (03/2026). Collection method: clinical testing. Allele origin: germline.
Comment: The c.1690G>A variant in CRB1 is a missense variant predicted to cause substitution of aspartic acid to asparagine at amino acid 564. This variant is rare in the general population with a frequency below the threshold expected for the associated phenotype(s). This variant has been observed in one or more individuals affected with the associated recessive disease, as either homozygous or compound heterozygous with a second variant (PMID: 37762234). A different variant at the same position has been determined to be Pathogenic or Likely Pathogenic. Computational prediction algorithms indicate this variant is likely to affect gene or protein function. Given the available evidence, this variant is classified as Likely Pathogenic.

Labcorp Genetics (formerly Invitae), Labcorp
Classification: Likely pathogenic for Leber congenital amaurosis 8; Retinitis pigmentosa 12. Last evaluated: 2023-06-30. Review status: criteria provided, single submitter. Criteria: Invitae Variant Classification Sherloc (09022015). Collection method: clinical testing. Allele origin: germline.
Comment: This variant disrupts the p.Asp564 amino acid residue in CRB1. Other variant(s) that disrupt this residue have been determined to be pathogenic (PMID: 23379534). This suggests that this residue is clinically significant, and that variants that disrupt this residue are likely to be disease-causing. In summary, the currently available evidence indicates that the variant is pathogenic, but additional data are needed to prove that conclusively. Therefore, this variant has been classified as Likely Pathogenic. Algorithms developed to predict the effect of missense changes on protein structure and function output the following: SIFT: "Not Available"; PolyPhen-2: "Possibly Damaging"; Align-GVGD: "Not Available". The asparagine amino acid residue is found in multiple mammalian species, which suggests that this missense change does not adversely affect protein function. ClinVar contains an entry for this variant (Variation ID: 1066787). This variant has not been reported in the literature in individuals affected with CRB1-related conditions. This variant is present in population databases (rs757279881, gnomAD 0.0009%). This sequence change replaces aspartic acid, which is acidic and polar, with asparagine, which is neutral and polar, at codon 564 of the CRB1 protein (p.Asp564Asn).

Literature cited by the submitters: PubMed 37762234 (cited by Natera, Inc.); PubMed 23379534 (cited by Labcorp Genetics (formerly Invitae), Labcorp).

NM_201253.3(CRB1):c.1690G>A (p.Asp564Asn)

Gene: CRB1 (crumbs cell polarity complex component 1; plus strand). Cytogenetic location: 1q31.3.
Variant type: single nucleotide variant.
Coding change: c.1690G>A on transcript NM_201253.3 (MANE Select); coding-DNA position 1690, G replaced by A.
Protein change: p.Asp564Asn; replaces aspartic acid 564 with asparagine.
Molecular consequence: missense variant. On other transcripts: non-coding transcript variant (2).
Genome position (GRCh38, 1-based): chr1:197,421,518, G>A. VCF-style: chr1-197421518-G-A. GRCh37 (hg19) VCF-style: chr1-197390648-G-A.
Other names: c.1690G>A (NM_201253.2); c.1354G>A, p.Asp452Asn (NM_001193640.2); c.1483G>A, p.Asp495Asn (NM_001257965.2); c.1690G>A, p.Asp564Asn (NM_001257966.2); short protein forms D452N, D495N, D564N.
Identifiers: ClinVar variation 1066787 (VCV001066787.8), dbSNP rs757279881, ClinGen allele CA1311958.
Genomic context (GRCh38, chr1:197,421,518, plus strand): 5'-TTATCAATTCAGGTCAATAATCAGTCAAAGGTGCTTCTGTTCATTTCCCACAACACCAGC[G>A]ATGGAGAGTGGCATTTCGTGGAGGTAATATTTGCAGAGGCTGTGACCCTTACCTTAATCG-3'
Protein context (NP_957705.1, residues 554-574): VLLFISHNTS[Asp564Asn]GEWHFVEVIF